The following is an entry in ClinVar:

NM_001690.4(ATP6V1A):c.409C>A (p.Pro137Thr)

Gene: ATP6V1A (ATPase H+ transporting V1 subunit A; plus strand). Cytogenetic location: 3q13.31.
Variant type: single nucleotide variant.
Coding change: c.409C>A on transcript NM_001690.4 (MANE Select); coding-DNA position 409, C replaced by A.
Protein change: p.Pro137Thr; replaces proline 137 with threonine.
Molecular consequence: missense variant.
Genome position (GRCh38, 1-based): chr3:113,784,421, C>A. VCF-style: chr3-113784421-C-A. GRCh37 (hg19) VCF-style: chr3-113503268-C-A.
Other names: short protein forms P137T.
Identifiers: ClinVar variation 4743632 (VCV004743632.1).

ClinVar aggregate classification (germline): Uncertain significance (1 of 4 stars; one submission).

gnomAD v4.1: 1 of 1,612,998 alleles (0.000062%); highest among the groups gnomAD compares: Non-Finnish European, 0.000085%; no homozygotes.

Submission:

Labcorp Genetics (formerly Invitae), Labcorp
Classification: Uncertain significance. Last evaluated: 2025-12-20. Review status: criteria provided, single submitter. Criteria: Invitae Variant Classification Sherloc (09022015). Collection method: clinical testing. Allele origin: germline.
Comment: This sequence change replaces proline, which is neutral and non-polar, with threonine, which is neutral and polar, at codon 137 of the ATP6V1A protein (p.Pro137Thr). This variant is not present in population databases (gnomAD no frequency). This variant has not been reported in the literature in individuals affected with ATP6V1A-related conditions. Invitae Evidence Modeling of protein sequence and biophysical properties (such as structural, functional, and spatial information, amino acid conservation, physicochemical variation, residue mobility, and thermodynamic stability) indicates that this missense variant is not expected to disrupt ATP6V1A protein function with a negative predictive value of 80%. In summary, the available evidence is currently insufficient to determine the role of this variant in disease. Therefore, it has been classified as a Variant of Uncertain Significance.